The following is an entry in ClinVar:

ClinVar aggregate classification (germline): Conflicting classifications of pathogenicity. Review status: criteria provided, conflicting classifications (1 of 4 stars). 6 submissions from 6 submitters: Uncertain significance (2); Benign (1); Likely benign (3). Last evaluated 2026-01-14.

Conditions:
Hereditary cancer-predisposing syndrome. Also called: Hereditary neoplastic syndrome; Neoplastic Syndromes, Hereditary; Tumor predisposition; Hereditary Cancer Syndrome. Identifiers: Orphanet 140162, MedGen C0027672, MeSH D009386, MONDO:0015356.
Tuberous sclerosis 2 (TSC2). Identifiers: Orphanet 805, MedGen C1860707, MONDO:0013199, OMIM 613254.
Tuberous sclerosis syndrome (TSC). Also called: Tuberous Sclerosis Complex; Tuberous sclerosis. Identifiers: Orphanet 805, MedGen C0041341, MONDO:0001734.

Allele frequency attached by ClinVar (database versions not stated): gnomAD 0.00001; gnomAD exomes 0.00001 and 0.00002; TOPMed 0.00001.
gnomAD v4.1: 11 of 1,612,870 alleles (0.00068%); highest among the groups gnomAD compares: Middle Eastern, 0.016%; no homozygotes.

Submissions (6):

Labcorp Genetics (formerly Invitae), Labcorp
Classification: Likely benign for Tuberous sclerosis 2. Last evaluated: 2026-01-14. Review status: criteria provided, single submitter. Criteria: Invitae Variant Classification Sherloc (09022015). Collection method: clinical testing. Allele origin: germline.

Color Diagnostics, LLC DBA Color Health
Classification: Uncertain significance for Tuberous sclerosis syndrome. Last evaluated: 2024-03-06. Review status: criteria provided, single submitter. Criteria: ACMG Guidelines, 2015. Collection method: clinical testing. Allele origin: germline.
Comment: This missense variant replaces proline with serine at codon 1176 of the TSC2 protein. Computational prediction is inconclusive regarding the impact of this variant on protein structure and function. To our knowledge, functional studies have not been reported for this variant. This variant has not been reported in individuals affected with tuberous sclerosis complex in the literature. This variant has been identified in 4/250184 chromosomes in the general population by the Genome Aggregation Database (gnomAD). The available evidence is insufficient to determine the role of this variant in disease conclusively. Therefore, this variant is classified as a Variant of Uncertain Significance.

Ambry Genetics
Classification: Likely benign for Hereditary cancer-predisposing syndrome. Last evaluated: 2022-11-30. Review status: criteria provided, single submitter. Criteria: Ambry Variant Classification Scheme 2023. Collection method: clinical testing. Allele origin: germline.

Sema4
Classification: Uncertain significance for Hereditary cancer-predisposing syndrome. Last evaluated: 2022-01-03. Review status: criteria provided, single submitter. Criteria: Sema4 Curation Guidelines. Collection method: curation. Allele origin: germline.
Comment: The TSC2 c.3526C>T (p.P1176S) variant has not been reported in the literature to our knowledge. It was observed in 3/112720 chromosomes of the Non-Finnish European (NFE) subpopulation in the large and broad cohorts of the Genome Aggregation Database (PMID: 32461654). This variant has been reported in ClinVar (Variation ID 468020). Functional studies have not been performed, and in silico predictions of the variant's effect on protein function are inconclusive. The evidence is insufficient to meet ACMG/AMP criteria for classifying the variant as benign or pathogenic. Thus, the clinical significance of this variant is currently uncertain.

Genome-Nilou Lab
Classification: Benign for Tuberous sclerosis 2. Last evaluated: 2021-11-07. Review status: criteria provided, single submitter. Criteria: ACMG Guidelines, 2015. Collection method: clinical testing. Allele origin: germline. Affected: no.

GeneDx
Classification: Likely benign. Last evaluated: 2020-09-18. Review status: criteria provided, single submitter. Criteria: GeneDx Variant Classification Process June 2021. Collection method: clinical testing. Allele origin: germline. Affected: yes.
Comment: In silico analysis supports that this missense variant does not alter protein structure/function

NM_000548.5(TSC2):c.3526C>T (p.Pro1176Ser)

Gene: TSC2 (TSC complex subunit 2; plus strand). Cytogenetic location: 16p13.3.
Variant type: single nucleotide variant.
Coding change: c.3526C>T on transcript NM_000548.5 (MANE Select); coding-DNA position 3526, C replaced by T.
Protein change: p.Pro1176Ser; replaces proline 1176 with serine.
Molecular consequence: missense variant.
Genome position (GRCh38, 1-based): chr16:2,080,293, C>T. VCF-style: chr16-2080293-C-T. GRCh37 (hg19) VCF-style: chr16-2130294-C-T.
Other names: c.3394C>T, p.Pro1132Ser (NM_001077183.3, NM_001370404.1); c.3526C>T, p.Pro1176Ser (NM_001114382.3); c.3286C>T, p.Pro1096Ser (NM_001318827.2); c.3250C>T, p.Pro1084Ser (NM_001318829.2); c.2794C>T, p.Pro932Ser (NM_001318831.2); c.3427C>T, p.Pro1143Ser (NM_001318832.2); c.3397C>T, p.Pro1133Ser (NM_001363528.2, NM_001370405.1, NM_021055.3); short protein forms P1176S, P1084S, P1096S, P1132S, P1133S, P1143S, P932S.
Identifiers: ClinVar variation 468020 (VCV000468020.20), dbSNP rs1326077397, ClinGen allele CA394289363.
Genomic context (GRCh38, chr16:2,080,293, plus strand): 5'-CCAGGACCACGGACTGCACCAGCCGCGAAACCTGAGAAGGCCTCAGCTGGCACCCGGGTT[C>T]CTGTGCAGGAGAAGACGAACCTGGCGGCCTATGTGCCCCTGCTGACCCAGGGCTGGGCGG-3'
Protein context (NP_000539.2, residues 1166-1186): PEKASAGTRV[Pro1176Ser]VQEKTNLAAY